The following is an entry in ClinVar:

NM_007186.6(CEP250):c.2707G>A (p.Ala903Thr)

Genes: CEP250 (centrosomal protein 250; plus strand), CEP250-AS1 (CEP250 antisense RNA 1; minus strand). Cytogenetic location: 20q11.22.
Variant type: single nucleotide variant.
Coding change: c.2707G>A on transcript NM_007186.6 (MANE Select); coding-DNA position 2707, G replaced by A.
Protein change: p.Ala903Thr; replaces alanine 903 with threonine.
Molecular consequence: missense variant.
Genome position (GRCh38, 1-based): chr20:35,490,757, G>A. VCF-style: chr20-35490757-G-A. GRCh37 (hg19) VCF-style: chr20-34078583-G-A.
Other names: c.811G>A, p.Ala271Thr (NM_001318219.1); short protein forms A271T, A903T.
Identifiers: ClinVar variation 964106 (VCV000964106.8), dbSNP rs2063664563, ClinGen allele CA408739338.
Genomic context (GRCh38, chr20:35,490,757, plus strand): 5'-GAAAAAATGGAGCTGGAAATGAGGCTAAAGGAGCAGCAGACAGAAATGGAGGCCATCCAG[G>A]CCCAGAGGGAAGAAGAACGGACCCAGGCAGAGAGTGCCCTATGCCAGGTGGGAAGCTAGG-3'
Protein context (NP_009117.2, residues 893-913): EQQTEMEAIQ[Ala903Thr]QREEERTQAE

ClinVar aggregate classification (germline): Uncertain significance (1 of 4 stars; one submission).

Submission:

Labcorp Genetics (formerly Invitae), Labcorp
Classification: Uncertain significance. Last evaluated: 2019-11-05. Review status: criteria provided, single submitter. Criteria: Invitae Variant Classification Sherloc (09022015). Collection method: clinical testing. Allele origin: germline.
Comment: This sequence change replaces alanine with threonine at codon 903 of the CEP250 protein (p.Ala903Thr). The alanine residue is moderately conserved and there is a small physicochemical difference between alanine and threonine. This variant is not present in population databases (ExAC no frequency). This variant has not been reported in the literature in individuals with CEP250-related conditions. Algorithms developed to predict the effect of missense changes on protein structure and function output the following: SIFT: "Tolerated"; PolyPhen-2: "Benign"; Align-GVGD: "Class C0". The threonine amino acid residue is found in multiple mammalian species, suggesting that this missense change does not adversely affect protein function. These predictions have not been confirmed by published functional studies and their clinical significance is uncertain. In summary, the available evidence is currently insufficient to determine the role of this variant in disease. Therefore, it has been classified as a Variant of Uncertain Significance.